The following is an entry in ClinVar:

NM_017654.4(SAMD9):c.4438T>C (p.Tyr1480His)

Gene: SAMD9 (sterile alpha motif domain containing 9; minus strand). Cytogenetic location: 7q21.2.
Variant type: single nucleotide variant.
Coding change: c.4438T>C on transcript NM_017654.4 (MANE Select); coding-DNA position 4438, T replaced by C.
Protein change: p.Tyr1480His; replaces tyrosine 1480 with histidine.
Molecular consequence: missense variant.
Genome position (GRCh38, 1-based): chr7:93,101,660, A>G on the plus strand (T>C on the coding strand, the complement: SAMD9 is on the minus strand). VCF-style: chr7-93101660-A-G. GRCh37 (hg19) VCF-style: chr7-92730973-A-G.
Other names: c.4438T>C, p.Tyr1480His (NM_001193307.2); c.4438T>C (NM_017654.3); short protein forms Y1480H.
Identifiers: ClinVar variation 1509949 (VCV001509949.6), dbSNP rs773543514, ClinGen allele CA4342550.
Genomic context (GRCh38, chr7:93,101,660, plus strand): 5'-GGTCAATTTTTCCTTTGTGAACAAGTCTTTCCAGTCTTTTACCTTTTCCAAGAAAGAAAT[A>G]TGCAATTGGTTGCTTTGTACGATGCATATGTTTATATTGCCCCTTGAAAGAATTTTTTAG-3'
Protein context (NP_060124.2, residues 1470-1490): HMHRTKQPIA[Tyr1480His]FFLGKGKRLE

ClinVar aggregate classification (germline): Uncertain significance. Review status: criteria provided, multiple submitters, no conflicts (2 of 4 stars). 3 submissions from 3 submitters: Uncertain significance (3). Last evaluated 2025-09-15.

Conditions:
Inborn genetic diseases. Identifiers: MedGen C0950123, MeSH D030342.

Allele frequency attached by ClinVar (database versions not stated): TOPMed below 0.00001; gnomAD 0.00001; gnomAD exomes 0.00001; ExAC 0.00002.
gnomAD v4.1: 20 of 1,613,730 alleles (0.0012%); highest among the groups gnomAD compares: Middle Eastern, 0.016%; no homozygotes.

Submissions (3):

Labcorp Genetics (formerly Invitae), Labcorp
Classification: Uncertain significance. Last evaluated: 2025-09-15. Review status: criteria provided, single submitter. Criteria: Invitae Variant Classification Sherloc (09022015). Collection method: clinical testing. Allele origin: germline.
Comment: This sequence change replaces tyrosine, which is neutral and polar, with histidine, which is basic and polar, at codon 1480 of the SAMD9 protein (p.Tyr1480His). This variant is present in population databases (rs773543514, gnomAD 0.002%). This variant has not been reported in the literature in individuals affected with SAMD9-related conditions. ClinVar contains an entry for this variant (Variation ID: 1509949). Invitae Evidence Modeling of protein sequence and biophysical properties (such as structural, functional, and spatial information, amino acid conservation, physicochemical variation, residue mobility, and thermodynamic stability) indicates that this missense variant is not expected to disrupt SAMD9 protein function with a negative predictive value of 95%. In summary, the available evidence is currently insufficient to determine the role of this variant in disease. Therefore, it has been classified as a Variant of Uncertain Significance.

Ambry Genetics
Classification: Uncertain significance for Inborn genetic diseases. Last evaluated: 2024-12-09. Review status: criteria provided, single submitter. Criteria: Ambry Variant Classification Scheme 2023. Collection method: clinical testing. Allele origin: germline.
Comment: The p.Y1480H variant (also known as c.4438T>C), located in coding exon 1 of the SAMD9 gene, results from a T to C substitution at nucleotide position 4438. The tyrosine at codon 1480 is replaced by histidine, an amino acid with similar properties. This amino acid position is conserved. In addition, this alteration is predicted to be tolerated by in silico analysis. Based on the available evidence, the clinical significance of this variant remains unclear.

GeneDx
Classification: Uncertain significance. Last evaluated: 2024-02-15. Review status: criteria provided, single submitter. Criteria: GeneDx Variant Classification Process June 2021. Collection method: clinical testing. Allele origin: germline. Affected: yes.
Comment: Not observed at significant frequency in large population cohorts (gnomAD); In silico analysis supports that this missense variant does not alter protein structure/function; Has not been previously published as pathogenic or benign to our knowledge